The following is an entry in ClinVar:

NM_001365999.1(SZT2):c.5252G>A (p.Arg1751His)

Gene: SZT2 (SZT2 subunit of KICSTOR complex; plus strand). Cytogenetic location: 1p34.2.
Variant type: single nucleotide variant.
Coding change: c.5252G>A on transcript NM_001365999.1 (MANE Select); coding-DNA position 5252, G replaced by A.
Protein change: p.Arg1751His; replaces arginine 1751 with histidine.
Molecular consequence: missense variant.
Genome position (GRCh38, 1-based): chr1:43,431,879, G>A. VCF-style: chr1-43431879-G-A. GRCh37 (hg19) VCF-style: chr1-43897550-G-A.
Other names: c.5081G>A, p.Arg1694His (NM_015284.4); short protein forms R1694H, R1751H.
Identifiers: ClinVar variation 1523346 (VCV001523346.5), dbSNP rs551152413, ClinGen allele CA809519.

ClinVar aggregate classification (germline): Uncertain significance (1 of 4 stars; one submission).

Allele frequency attached by ClinVar (database versions not stated): gnomAD 0.00001; gnomAD exomes 0.00001; ExAC 0.00002; 1000 Genomes Project 30x 0.00016; 1000 Genomes Project 0.00020.
gnomAD v4.1: 12 of 1,614,160 alleles (0.00074%); highest among the groups gnomAD compares: Admixed American, 0.0017%; no homozygotes.

Submission:

Labcorp Genetics (formerly Invitae), Labcorp
Classification: Uncertain significance. Last evaluated: 2022-10-13. Review status: criteria provided, single submitter. Criteria: Invitae Variant Classification Sherloc (09022015). Collection method: clinical testing. Allele origin: germline.
Comment: This sequence change replaces arginine, which is basic and polar, with histidine, which is basic and polar, at codon 1694 of the SZT2 protein (p.Arg1694His). This variant is present in population databases (rs551152413, gnomAD 0.003%). This variant has not been reported in the literature in individuals affected with SZT2-related conditions. ClinVar contains an entry for this variant (Variation ID: 1523346). Advanced modeling of protein sequence and biophysical properties (such as structural, functional, and spatial information, amino acid conservation, physicochemical variation, residue mobility, and thermodynamic stability) performed at Invitae indicates that this missense variant is not expected to disrupt SZT2 protein function. In summary, the available evidence is currently insufficient to determine the role of this variant in disease. Therefore, it has been classified as a Variant of Uncertain Significance.